The following is an entry in ClinVar:

ClinVar aggregate classification (germline): Uncertain significance (1 of 4 stars; one submission).

Submission:

Labcorp Genetics (formerly Invitae), Labcorp
Classification: Uncertain significance. Last evaluated: 2023-07-22. Review status: criteria provided, single submitter. Criteria: Invitae Variant Classification Sherloc (09022015). Collection method: clinical testing. Allele origin: germline.
Comment: This sequence change replaces proline, which is neutral and non-polar, with serine, which is neutral and polar, at codon 353 of the COL8A2 protein (p.Pro353Ser). This variant is not present in population databases (gnomAD no frequency). In summary, the available evidence is currently insufficient to determine the role of this variant in disease. Therefore, it has been classified as a Variant of Uncertain Significance. Experimental studies and prediction algorithms are not available or were not evaluated, and the functional significance of this variant is currently unknown. This variant has not been reported in the literature in individuals affected with COL8A2-related conditions.

NM_005202.4(COL8A2):c.1057C>T (p.Pro353Ser)

Gene: COL8A2 (collagen type VIII alpha 2 chain; minus strand). Cytogenetic location: 1p34.3.
Variant type: single nucleotide variant.
Coding change: c.1057C>T on transcript NM_005202.4 (MANE Select); coding-DNA position 1057, C replaced by T.
Protein change: p.Pro353Ser; replaces proline 353 with serine.
Molecular consequence: missense variant.
Genome position (GRCh38, 1-based): chr1:36,098,624, G>A on the plus strand (C>T on the coding strand, the complement: COL8A2 is on the minus strand). VCF-style: chr1-36098624-G-A. GRCh37 (hg19) VCF-style: chr1-36564225-G-A.
Other names: c.862C>T, p.Pro288Ser (NM_001294347.2); short protein forms P288S, P353S.
Identifiers: ClinVar variation 2745885 (VCV002745885.3), dbSNP rs2524701925, ClinGen allele CA339396121.